The following is an entry in ClinVar:

ClinVar aggregate classification (germline): Conflicting classifications of pathogenicity. Review status: criteria provided, conflicting classifications (1 of 4 stars). 4 submissions from 4 submitters: Uncertain significance (3); Likely benign (1). Last evaluated 2026-04-27.

Conditions:
Infantile neuroaxonal dystrophy (NBIA2A). Also called: NEURODEGENERATION WITH BRAIN IRON ACCUMULATION 2A; SEITELBERGER DISEASE; Infantile neuroaxonal dystrophy 1. Identifiers: Orphanet 35069, MedGen C0270724, MONDO:0024457, OMIM 256600.

Allele frequency attached by ClinVar (database versions not stated): gnomAD 0.00003 and 0.00002; ESP Exome Variant Server 0.00008; TOPMed 0.00003.
gnomAD v4.1: 25 of 1,613,976 alleles (0.0015%); highest among the groups gnomAD compares: Middle Eastern, 0.033%; no homozygotes.

Submissions (4):

Centre for Medical Genetics,  Mumbai
Classification: Likely benign for Infantile neuroaxonal dystrophy. Last evaluated: 2026-04-27. Review status: criteria provided, single submitter. Criteria: ACMG Guidelines, 2015. Collection method: provider interpretation. Allele origin: germline. Inheritance: Autosomal recessive inheritance. Affected: no. Observed: 1 variant allele, 1 homozygote.
Comment: The variant satisfies PM2 criteria - extremely low frequency in gnomAD population databases. The variant satisfies PP2 criteria - missense variant in a gene with low rate of benign missense mutations and for which missense mutation is a common mechanism of a disease. The variant satisfies BP4 criteria - for a missense or a splice region variant, computational prediction tools unanimously support a benign effect on the gene. However, the variant satisfies BS2 criteria - present in heterozygous state in an individual that clinically does not have Infantile neuroaxonal dystrophy 1.

Labcorp Genetics (formerly Invitae), Labcorp
Classification: Uncertain significance for Infantile neuroaxonal dystrophy. Last evaluated: 2025-10-06. Review status: criteria provided, single submitter. Criteria: Invitae Variant Classification Sherloc (09022015). Collection method: clinical testing. Allele origin: germline.
Comment: This sequence change replaces alanine, which is neutral and non-polar, with threonine, which is neutral and polar, at codon 209 of the PLA2G6 protein (p.Ala209Thr). This variant is present in population databases (rs140938545, gnomAD 0.003%). This variant has not been reported in the literature in individuals affected with PLA2G6-related conditions. ClinVar contains an entry for this variant (Variation ID: 1208817). Invitae Evidence Modeling of protein sequence and biophysical properties (such as structural, functional, and spatial information, amino acid conservation, physicochemical variation, residue mobility, and thermodynamic stability) indicates that this missense variant is not expected to disrupt PLA2G6 protein function with a negative predictive value of 80%. In summary, the available evidence is currently insufficient to determine the role of this variant in disease. Therefore, it has been classified as a Variant of Uncertain Significance.

Laboratorio de Genetica e Diagnostico Molecular, Hospital Israelita Albert Einstein
Classification: Uncertain significance for Infantile neuroaxonal dystrophy. Last evaluated: 2022-07-29. Review status: criteria provided, single submitter. Criteria: ACMG Guidelines, 2015. Collection method: clinical testing. Allele origin: germline. Affected: yes. Observed: 1 variant allele.
Comment: ACMG classification criteria: PM2 moderated, BP4 supporting

GeneDx
Classification: Uncertain significance. Last evaluated: 2020-09-02. Review status: criteria provided, single submitter. Criteria: GeneDx Variant Classification Process June 2021. Collection method: clinical testing. Allele origin: germline. Affected: yes.
Comment: Not observed at a significant frequency in large population cohorts (Lek et al., 2016); In silico analysis, which includes protein predictors and evolutionary conservation, supports that this variant does not alter protein structure/function; Has not been previously published as pathogenic or benign to our knowledge

Literature cited by the submitters: PubMed 16783378 (cited by Centre for Medical Genetics,  Mumbai).

NM_003560.4(PLA2G6):c.625G>A (p.Ala209Thr)

Gene: PLA2G6 (phospholipase A2 group VI; minus strand). Cytogenetic location: 22q13.1.
Variant type: single nucleotide variant.
Coding change: c.625G>A on transcript NM_003560.4 (MANE Select); coding-DNA position 625, G replaced by A.
Protein change: p.Ala209Thr; replaces alanine 209 with threonine.
Molecular consequence: missense variant. On other transcripts: intron variant (1).
Genome position (GRCh38, 1-based): chr22:38,140,154, C>T on the plus strand (G>A on the coding strand, the complement: PLA2G6 is on the minus strand). VCF-style: chr22-38140154-C-T. GRCh37 (hg19) VCF-style: chr22-38536161-C-T.
Other names: c.625G>A, p.Ala209Thr (NM_001004426.3, NM_001199562.3, NM_001349864.2 and 2 more transcripts); c.91G>A, p.Ala31Thr (NM_001349867.2, NM_001349869.2); c.119+2951G>A (NM_001349868.2); short protein forms A209T, A31T.
Identifiers: ClinVar variation 1208817 (VCV001208817.9), dbSNP rs140938545, ClinGen allele CA10231200.